The following is an entry in ClinVar:

NM_000038.6(APC):c.4592A>G (p.Asn1531Ser)

Gene: APC (APC regulator of Wnt signaling pathway; plus strand). Cytogenetic location: 5q22.2.
Variant type: single nucleotide variant.
Coding change: c.4592A>G on transcript NM_000038.6 (MANE Select); coding-DNA position 4592, A replaced by G.
Protein change: p.Asn1531Ser; replaces asparagine 1531 with serine.
Molecular consequence: missense variant.
Genome position (GRCh38, 1-based): chr5:112,840,186, A>G. VCF-style: chr5-112840186-A-G. GRCh37 (hg19) VCF-style: chr5-112175883-A-G.
Other names: c.4592A>G, p.Asn1531Ser (NM_001127510.3, NM_001354895.2); c.4538A>G, p.Asn1513Ser (NM_001127511.3); c.4646A>G, p.Asn1549Ser (NM_001354896.2); c.4622A>G, p.Asn1541Ser (NM_001354897.2); c.4517A>G, p.Asn1506Ser (NM_001354898.2); c.4508A>G, p.Asn1503Ser (NM_001354899.2); c.4469A>G, p.Asn1490Ser (NM_001354900.2); c.4415A>G, p.Asn1472Ser (NM_001354901.2); and 5 more; short protein forms N1430S, N1440S, N1490S, N1513S, N1549S, N1371S, N1472S, N1531S.
Identifiers: ClinVar variation 940870 (VCV000940870.13), dbSNP rs1765717537, ClinGen allele CA16031388.

ClinVar aggregate classification (germline): Uncertain significance. Review status: criteria provided, multiple submitters, no conflicts (2 of 4 stars). 2 submissions from 2 submitters: Uncertain significance (2). Last evaluated 2021-04-07.

Conditions:
Familial adenomatous polyposis 1 (FAP1). Also called: FAMILIAL ADENOMATOUS POLYPOSIS 1, ATTENUATED; POLYPOSIS, ADENOMATOUS INTESTINAL. Identifiers: MedGen C2713442, MONDO:0021056, OMIM 175100. Disease mechanism: loss of function.
Hereditary cancer-predisposing syndrome. Also called: Hereditary neoplastic syndrome; Neoplastic Syndromes, Hereditary; Tumor predisposition; Hereditary Cancer Syndrome. Identifiers: Orphanet 140162, MedGen C0027672, MeSH D009386, MONDO:0015356.

Submissions (2):

Ambry Genetics
Classification: Uncertain significance for Hereditary cancer-predisposing syndrome. Last evaluated: 2021-04-07. Review status: criteria provided, single submitter. Criteria: Ambry Variant Classification Scheme 2023. Collection method: clinical testing. Allele origin: germline.
Comment: The p.N1531S variant (also known as c.4592A>G), located in coding exon 15 of the APC gene, results from an A to G substitution at nucleotide position 4592. The asparagine at codon 1531 is replaced by serine, an amino acid with highly similar properties. This amino acid position is well conserved in available vertebrate species. In addition, in silico predictors for this gene do not accurately predict pathogenicity. Since supporting evidence is limited at this time, the clinical significance of this alteration remains unclear.

Labcorp Genetics (formerly Invitae), Labcorp
Classification: Uncertain significance for Familial adenomatous polyposis 1. Last evaluated: 2019-07-23. Review status: criteria provided, single submitter. Criteria: Invitae Variant Classification Sherloc (09022015). Collection method: clinical testing. Allele origin: germline.
Comment: This sequence change replaces asparagine with serine at codon 1531 of the APC protein (p.Asn1531Ser). The asparagine residue is highly conserved and there is a small physicochemical difference between asparagine and serine. This variant is not present in population databases (ExAC no frequency). This variant has not been reported in the literature in individuals with APC-related conditions. Algorithms developed to predict the effect of missense changes on protein structure and function are either unavailable or do not agree on the potential impact of this missense change (SIFT: "Deleterious"; PolyPhen-2: "Benign"; Align-GVGD: "Class C15"). In summary, the available evidence is currently insufficient to determine the role of this variant in disease. Therefore, it has been classified as a Variant of Uncertain Significance.